The following is an entry in ClinVar:

ClinVar aggregate classification (germline): Uncertain significance (1 of 4 stars; one submission).

Conditions:
Hereditary sensory neuropathy-deafness-dementia syndrome. Also called: NEUROPATHY, HEREDITARY SENSORY, WITH HEARING LOSS AND DEMENTIA; Hereditary sensory neuropathy type IE; HSN IE; Hereditary Sensory and Autonomic Neuropathy Type 1E (HSAN1E). Identifiers: Orphanet 456318, MedGen C3279885, MONDO:0013584, OMIM 614116.

Allele frequency attached by ClinVar (database versions not stated): gnomAD 0.00001; TOPMed 0.00001; gnomAD exomes 0.00002.
gnomAD v4.1: 26 of 1,614,088 alleles (0.0016%); highest among the groups gnomAD compares: Non-Finnish European, 0.002%; no homozygotes.

Submission:

Labcorp Genetics (formerly Invitae), Labcorp
Classification: Uncertain significance for Hereditary sensory neuropathy-deafness-dementia syndrome. Last evaluated: 2018-12-14. Review status: criteria provided, single submitter. Criteria: Invitae Variant Classification Sherloc (09022015). Collection method: clinical testing. Allele origin: germline.
Comment: In summary, the available evidence is currently insufficient to determine the role of this variant in disease. Therefore, it has been classified as a Variant of Uncertain Significance. Algorithms developed to predict the effect of missense changes on protein structure and function are either unavailable or do not agree on the potential impact of this missense change (SIFT: "Deleterious"; PolyPhen-2: "Benign"; Align-GVGD: "Class C0"). This variant has not been reported in the literature in individuals with DNMT1-related disease. This variant is not present in population databases (ExAC no frequency). This sequence change replaces asparagine with isoleucine at codon 904 of the DNMT1 protein (p.Asn904Ile). The asparagine residue is moderately conserved and there is a large physicochemical difference between asparagine and isoleucine.

NM_001130823.3(DNMT1):c.2711A>T (p.Asn904Ile)

Gene: DNMT1 (DNA methyltransferase 1; minus strand). Cytogenetic location: 19p13.2.
Variant type: single nucleotide variant.
Coding change: c.2711A>T on transcript NM_001130823.3 (MANE Select); coding-DNA position 2711, A replaced by T.
Protein change: p.Asn904Ile; replaces asparagine 904 with isoleucine.
Molecular consequence: missense variant.
Genome position (GRCh38, 1-based): chr19:10,148,893, T>A on the plus strand (A>T on the coding strand, the complement: DNMT1 is on the minus strand). VCF-style: chr19-10148893-T-A. GRCh37 (hg19) VCF-style: chr19-10259569-T-A.
Other names: c.2711A>T (LRG_362t1); c.2663A>T, p.Asn888Ile (NM_001318730.2, NM_001379.4); c.2348A>T, p.Asn783Ile (NM_001318731.2); short protein forms N888I, N783I, N904I.
Identifiers: ClinVar variation 661421 (VCV000661421.8), dbSNP rs1287452669, ClinGen allele CA403926152.